The following is an entry in ClinVar:

NM_003327.4(TNFRSF4):c.332C>T (p.Ala111Val)

Gene: TNFRSF4 (TNF receptor superfamily member 4; minus strand). Cytogenetic location: 1p36.33.
Variant type: single nucleotide variant.
Coding change: c.332C>T on transcript NM_003327.4 (MANE Select); coding-DNA position 332, C replaced by T.
Protein change: p.Ala111Val; replaces alanine 111 with valine.
Molecular consequence: missense variant.
Genome position (GRCh38, 1-based): chr1:1,213,030, G>A on the plus strand (C>T on the coding strand, the complement: TNFRSF4 is on the minus strand). VCF-style: chr1-1213030-G-A. GRCh37 (hg19) VCF-style: chr1-1148410-G-A.
Other names: short protein forms A111V.
Identifiers: ClinVar variation 1017107 (VCV001017107.6), dbSNP rs777266991, ClinGen allele CA512526.

ClinVar aggregate classification (germline): Uncertain significance (1 of 4 stars; one submission).

Conditions:
Combined immunodeficiency due to OX40 deficiency. Also called: Immunodeficiency 16; OX40 DEFICIENCY. Identifiers: Orphanet 431149, MedGen C3810053, MONDO:0014268, OMIM 615593.

Allele frequency attached by ClinVar (database versions not stated): TOPMed 0.00002; ExAC 0.00003; gnomAD 0.00003 and 0.00004.
gnomAD v4.1: 28 of 1,611,362 alleles (0.0017%); highest among the groups gnomAD compares: African/African-American, 0.0027%; no homozygotes.

Submission:

Labcorp Genetics (formerly Invitae), Labcorp
Classification: Uncertain significance for Combined immunodeficiency due to OX40 deficiency. Last evaluated: 2025-03-16. Review status: criteria provided, single submitter. Criteria: Invitae Variant Classification Sherloc (09022015). Collection method: clinical testing. Allele origin: germline.
Comment: This sequence change replaces alanine, which is neutral and non-polar, with valine, which is neutral and non-polar, at codon 111 of the TNFRSF4 protein (p.Ala111Val). This variant is present in population databases (rs777266991, gnomAD 0.004%). This variant has not been reported in the literature in individuals affected with TNFRSF4-related conditions. ClinVar contains an entry for this variant (Variation ID: 1017107). Invitae Evidence Modeling of protein sequence and biophysical properties (such as structural, functional, and spatial information, amino acid conservation, physicochemical variation, residue mobility, and thermodynamic stability) indicates that this missense variant is not expected to disrupt TNFRSF4 protein function with a negative predictive value of 80%. In summary, the available evidence is currently insufficient to determine the role of this variant in disease. Therefore, it has been classified as a Variant of Uncertain Significance.